The following is an entry in ClinVar:

ClinVar aggregate classification (germline): Conflicting classifications of pathogenicity. Review status: criteria provided, conflicting classifications (1 of 4 stars). 5 submissions from 5 submitters: Uncertain significance (4); Likely benign (1). Last evaluated 2026-01-12.

Conditions:
Muscular dystrophy, limb-girdle, autosomal recessive 23. Identifiers: Orphanet 565837, MedGen C4748327, MONDO:0029136, OMIM 618138.
Merosin deficient congenital muscular dystrophy (MDC1A). Also called: Congenital merosin-deficient muscular dystrophy 1A; Congenital Muscular Dystrophy Type 1A (MDC1A). Identifiers: Orphanet 258, MedGen C1263858, MONDO:0011925, OMIM 607855.
LAMA2-related muscular dystrophy (LAMA2-RD). Also called: Laminin alpha 2-related dystrophy. Identifiers: MedGen C5679788, MONDO:0100228.

Allele frequency attached by ClinVar (database versions not stated): gnomAD 0.00002 and 0.00003; TOPMed 0.00003; 1000 Genomes Project 30x 0.00016; 1000 Genomes Project 0.00020.
gnomAD v4.1: 138 of 1,613,450 alleles (0.0086%); highest among the groups gnomAD compares: Non-Finnish European, 0.01%; no homozygotes.

Submissions (5):

Labcorp Genetics (formerly Invitae), Labcorp
Classification: Likely benign for LAMA2-related muscular dystrophy. Last evaluated: 2026-01-12. Review status: criteria provided, single submitter. Criteria: Invitae Variant Classification Sherloc (09022015). Collection method: clinical testing. Allele origin: germline.

Mayo Clinic Laboratories, Mayo Clinic
Classification: Uncertain significance. Last evaluated: 2023-11-13. Review status: criteria provided, single submitter. Criteria: ACMG Guidelines, 2015. Collection method: clinical testing. Allele origin: germline. Observed: 1 variant allele.
Comment: BP4, PM2_moderate

Revvity Omics, Revvity
Classification: Uncertain significance. Last evaluated: 2022-11-01. Review status: criteria provided, single submitter. Criteria: ACMG Guidelines, 2015. Collection method: clinical testing. Allele origin: germline.

Fulgent Genetics
Classification: Uncertain significance for Merosin deficient congenital muscular dystrophy; Muscular dystrophy, limb-girdle, autosomal recessive 23. Last evaluated: 2022-05-06. Review status: criteria provided, single submitter. Criteria: ACMG Guidelines, 2015. Collection method: clinical testing. Allele origin: unknown.

Greenwood Genetic Center Diagnostic Laboratories, Greenwood Genetic Center
Classification: Uncertain significance. Last evaluated: 2021-02-01. Review status: criteria provided, single submitter. Criteria: ACMG Guidelines, 2015. Collection method: clinical testing. Allele origin: germline. Affected: yes.
Comment: PM2

Literature cited by the submitters: PubMed 31983221 (cited by Mayo Clinic Laboratories, Mayo Clinic).

NM_000426.4(LAMA2):c.9014C>T (p.Ala3005Val)

Gene: LAMA2 (laminin subunit alpha 2; plus strand). Cytogenetic location: 6q22.33.
Variant type: single nucleotide variant.
Coding change: c.9014C>T on transcript NM_000426.4 (MANE Select); coding-DNA position 9014, C replaced by T.
Protein change: p.Ala3005Val; replaces alanine 3005 with valine.
Molecular consequence: missense variant.
Genome position (GRCh38, 1-based): chr6:129,514,398, C>T. VCF-style: chr6-129514398-C-T. GRCh37 (hg19) VCF-style: chr6-129835543-C-T.
Other names: p.Ala3005Val; c.9002C>T, p.Ala3001Val (NM_001079823.2); short protein forms A3001V, A3005V.
Identifiers: ClinVar variation 851137 (VCV000851137.13), dbSNP rs75048006, ClinGen allele CA3995015.